The following is an entry in ClinVar:

NM_003001.5(SDHC):c.242-6C>A

Gene: SDHC (succinate dehydrogenase complex subunit C; plus strand). Cytogenetic location: 1q23.3.
Variant type: single nucleotide variant.
Coding change: c.242-6C>A on transcript NM_003001.5 (MANE Select); 6 bases into the intron before coding-DNA position 242, C replaced by A.
Molecular consequence: intron variant.
Genome position (GRCh38, 1-based): chr1:161,356,671, C>A. VCF-style: chr1-161356671-C-A. GRCh37 (hg19) VCF-style: chr1-161326461-C-A.
Other names: c.131-6C>A (NM_001407119.1, NM_001407120.1); c.362-6C>A (NM_001407115.1); c.242-5658C>A (NM_001035511.3); c.140-6C>A (NM_001035512.3); c.140-5658C>A (NM_001278172.3); c.134-6C>A (NM_001407118.1); c.185-6C>A (NM_001407116.1); c.185-5658C>A (NM_001407121.1); and 2 more.
Identifiers: ClinVar variation 1362971 (VCV001362971.10), dbSNP rs1571889931, ClinGen allele CA2573131196.

ClinVar aggregate classification (germline): Uncertain significance. Review status: criteria provided, multiple submitters, no conflicts (2 of 4 stars). 2 submissions from 2 submitters: Uncertain significance (2). Last evaluated 2024-01-31.

Conditions:
Pheochromocytoma/paraganglioma syndrome 3. Also called: GLOMUS TUMORS, FAMILIAL, 3; Paragangliomas 3; SDHC-Related Hereditary Paraganglioma-Pheochromocytoma Syndrome (Paragangliomas 3); SDHC-Related Hereditary Paraganglioma-Pheochromocytoma Syndrome. Identifiers: Orphanet 29072, MedGen C1854336, MONDO:0011544, OMIM 605373.
Gastrointestinal stromal tumor. Also called: Gastrointestinal stroma tumor; Gastrointestinal stromal tumor, somatic. Identifiers: Orphanet 44890, MedGen C0238198, MeSH D046152, MONDO:0011719, OMIM 606764, HP:0100723.

Submissions (2):

GeneDx
Classification: Uncertain significance. Last evaluated: 2024-01-31. Review status: criteria provided, single submitter. Criteria: GeneDx Variant Classification Process June 2021. Collection method: clinical testing. Allele origin: germline. Affected: yes.
Comment: Not observed at significant frequency in large population cohorts (gnomAD); In silico analysis supports a deleterious effect on splicing; Has not been previously published as pathogenic or benign to our knowledge

Labcorp Genetics (formerly Invitae), Labcorp
Classification: Uncertain significance for Pheochromocytoma/paraganglioma syndrome 3; Gastrointestinal stromal tumor. Last evaluated: 2022-09-03. Review status: criteria provided, single submitter. Criteria: Invitae Variant Classification Sherloc (09022015). Collection method: clinical testing. Allele origin: germline.
Comment: In summary, the available evidence is currently insufficient to determine the role of this variant in disease. Therefore, it has been classified as a Variant of Uncertain Significance. Algorithms developed to predict the effect of sequence changes on RNA splicing suggest that this variant may disrupt the consensus splice site. ClinVar contains an entry for this variant (Variation ID: 1362971). This variant has not been reported in the literature in individuals affected with SDHC-related conditions. This variant is not present in population databases (gnomAD no frequency). This sequence change falls in intron 4 of the SDHC gene. It does not directly change the encoded amino acid sequence of the SDHC protein.